The following is an entry in ClinVar:

ClinVar aggregate classification (germline): Likely pathogenic (1 of 4 stars; one submission).

Conditions:
Autosomal recessive polycystic kidney disease (ARPKD). Also called: AR polycystic kidney disease. Identifiers: Orphanet 731, Orphanet 8378, MedGen C0085548, MeSH D017044, MONDO:0009889.

Submission:

Labcorp Genetics (formerly Invitae), Labcorp
Classification: Likely pathogenic for Autosomal recessive polycystic kidney disease. Last evaluated: 2019-01-21. Review status: criteria provided, single submitter. Criteria: Invitae Variant Classification Sherloc (09022015). Collection method: clinical testing. Allele origin: germline.
Comment: This variant results in a copy number gain of the genomic region encompassing exons 38-49 of the PKHD1 gene. While the exact position of this variant cannot be determined from this data, sub-genic copy number gains are generally in tandem (PMID: 25640679) and may result in an absent or disrupted protein product. This variant has not been reported in the literature in individuals with PKHD1-related conditions. Loss-of-function variants in PKHD1 are known to be pathogenic (PMID: 19940839). In summary, the currently available evidence indicates that the variant is pathogenic, but additional data are needed to prove that conclusively. Therefore, this variant has been classified as Likely Pathogenic.

NC_000006.12:g.(?_51855873)_(51912596_?)dup

Gene: PKHD1 (PKHD1 ciliary IPT domain containing fibrocystin/polyductin; minus strand). Cytogenetic location: 6p12.3.
Variant type: Duplication.
Identifiers: ClinVar variation 831998 (VCV000831998.1).